The following is an entry in ClinVar:

NM_000815.5(GABRD):c.1294C>T (p.Arg432Cys)

Gene: GABRD (gamma-aminobutyric acid type A receptor subunit delta; plus strand). Cytogenetic location: 1p36.33.
Variant type: single nucleotide variant.
Coding change: c.1294C>T on transcript NM_000815.5 (MANE Select); coding-DNA position 1294, C replaced by T.
Protein change: p.Arg432Cys; replaces arginine 432 with cysteine.
Molecular consequence: missense variant.
Genome position (GRCh38, 1-based): chr1:2,030,217, C>T. VCF-style: chr1-2030217-C-T. GRCh37 (hg19) VCF-style: chr1-1961656-C-T.
Other names: short protein forms R432C.
Identifiers: ClinVar variation 647924 (VCV000647924.8), dbSNP rs1002172902, ClinGen allele CA16892064.

ClinVar aggregate classification (germline): Uncertain significance (1 of 4 stars; one submission).

Conditions:
Idiopathic generalized epilepsy. Also called: EIG; Generalised epilepsy. Identifiers: MedGen C0270850, MONDO:0005579, OMIM 600669.

Allele frequency attached by ClinVar (database versions not stated): gnomAD 0.00001; TOPMed 0.00002.
gnomAD v4.1: 5 of 1,567,980 alleles (0.00032%); highest among the groups gnomAD compares: Non-Finnish European, 0.00043%; no homozygotes.

Submission:

Labcorp Genetics (formerly Invitae), Labcorp
Classification: Uncertain significance for Idiopathic generalized epilepsy. Last evaluated: 2018-12-22. Review status: criteria provided, single submitter. Criteria: Invitae Variant Classification Sherloc (09022015). Collection method: clinical testing. Allele origin: germline.
Comment: This sequence change replaces arginine with cysteine at codon 432 of the GABRD protein (p.Arg432Cys). The arginine residue is highly conserved and there is a large physicochemical difference between arginine and cysteine. This variant is not present in population databases (ExAC no frequency). This variant has not been reported in the literature in individuals with GABRD-related conditions. Algorithms developed to predict the effect of missense changes on protein structure and function are either unavailable or do not agree on the potential impact of this missense change (SIFT: "Deleterious"; PolyPhen-2: "Probably Damaging"; Align-GVGD: "Class C0"). In summary, the available evidence is currently insufficient to determine the role of this variant in disease. Therefore, it has been classified as a Variant of Uncertain Significance.